The following is an entry in ClinVar:

ClinVar aggregate classification (germline): Likely benign. Review status: criteria provided, multiple submitters, no conflicts (2 of 4 stars). 2 submissions from 2 submitters: Likely benign (2). Last evaluated 2023-06-26.

Conditions:
Arrhythmogenic right ventricular dysplasia 8 (ARVD8). Also called: Arrhythmogenic Right Ventricular Dysplasia/Cardiomyopathy 8; ARRHYTHMOGENIC RIGHT VENTRICULAR DYSPLASIA, FAMILIAL, 8; ARRHYTHMOGENIC RIGHT VENTRICULAR CARDIOMYOPATHY 8. Identifiers: MedGen C1843896, MONDO:0011831, OMIM 607450.
Arrhythmogenic cardiomyopathy with wooly hair and keratoderma. Also called: PALMOPLANTAR KERATODERMA WITH LEFT VENTRICULAR CARDIOMYOPATHY AND WOOLLY HAIR; Arrhythmogenic cardiomyopathy with woolly hair and keratoderma; Carvajal syndrome; Dilated cardiomyopathy with woolly hair and keratoderma. Identifiers: Orphanet 65282, MedGen C1854063, MONDO:0011581, OMIM 605676.

Allele frequency attached by ClinVar (database versions not stated): gnomAD exomes below 0.00001; TOPMed below 0.00001.
gnomAD v4.1: 1 of 1,614,056 alleles (0.000062%); highest among the groups gnomAD compares: Non-Finnish European, 0.000085%; no homozygotes.

Submissions (2):

All of Us Research Program, National Institutes of Health
Classification: Likely benign for Arrhythmogenic cardiomyopathy with wooly hair and keratoderma. Last evaluated: 2023-06-26. Review status: criteria provided, single submitter. Criteria: ACMG Guidelines, 2015. Collection method: clinical testing. Allele origin: germline. Inheritance: Autosomal dominant inheritance. Observed: 1 variant allele, 1 heterozygote.
Comment: This study involves interpretation of variants in research participants for the purpose of population health screening. Participant phenotype was not available at the time of variant classification. Additional details can be found in publication PMID: 35346344, PMCID: PMC8962531

Labcorp Genetics (formerly Invitae), Labcorp
Classification: Likely benign for Arrhythmogenic cardiomyopathy with wooly hair and keratoderma; Arrhythmogenic right ventricular dysplasia 8. Last evaluated: 2021-03-30. Review status: criteria provided, single submitter. Criteria: Invitae Variant Classification Sherloc (09022015). Collection method: clinical testing. Allele origin: germline.

NM_004415.4(DSP):c.5898G>A (p.Leu1966=)

Gene: DSP (desmoplakin; plus strand). Cytogenetic location: 6p24.3.
Variant type: single nucleotide variant.
Coding change: c.5898G>A on transcript NM_004415.4 (MANE Select); coding-DNA position 5898, G replaced by A.
Protein change: p.Leu1966=; no amino-acid change (leucine 1966 retained).
Molecular consequence: synonymous variant.
Genome position (GRCh38, 1-based): chr6:7,583,160, G>A. VCF-style: chr6-7583160-G-A. GRCh37 (hg19) VCF-style: chr6-7583393-G-A.
Other names: c.4101G>A, p.Leu1367= (NM_001008844.3); c.4569G>A, p.Leu1523= (NM_001319034.2).
Identifiers: ClinVar variation 1626056 (VCV001626056.4), dbSNP rs1026631797, ClinGen allele CA133972647.
Genomic context (GRCh38, chr6:7,583,160, plus strand): 5'-ATATGGGTCCCATCGAGAGACCCAGACTGAGTGTGAGTGGACCGTTGACACCTCCAAGCT[G>A]GTGTTTGATGGGCTGAGGAAGAAGGTGACAGCAATGCAGCTCTATGAGTGTCAGCTGATC-3'
Protein context (NP_004406.2, residues 1956-1976): ECEWTVDTSK[Leu1966=]VFDGLRKKVT